The following is an entry in ClinVar:

NM_022124.6(CDH23):c.4390G>T (p.Ala1464Ser)

Gene: CDH23 (cadherin related 23; plus strand). Cytogenetic location: 10q22.1.
Variant type: single nucleotide variant.
Coding change: c.4390G>T on transcript NM_022124.6 (MANE Select); coding-DNA position 4390, G replaced by T.
Protein change: p.Ala1464Ser; replaces alanine 1464 with serine.
Molecular consequence: missense variant.
Genome position (GRCh38, 1-based): chr10:71,739,674, G>T. VCF-style: chr10-71739674-G-T. GRCh37 (hg19) VCF-style: chr10-73499431-G-T.
Other names: short protein forms A1464S.
Identifiers: ClinVar variation 845440 (VCV000845440.10), dbSNP rs756674688, ClinGen allele CA5545035.

ClinVar aggregate classification (germline): Conflicting classifications of pathogenicity. Review status: criteria provided, conflicting classifications (1 of 4 stars). 5 submissions from 5 submitters: Uncertain significance (2); Likely benign (2). 1 of the submissions does not count toward it. Last evaluated 2026-05-14.

Conditions:
CDH23-related disorder. Also called: CDH23-related condition; CDH23-related disorders.
Usher syndrome type 1 (USH1). Also called: RETINITIS PIGMENTOSA AND CONGENITAL DEAFNESS. Identifiers: Orphanet 231169, Orphanet 886, MedGen C1568247, MONDO:0010168, OMIM 276900.

Allele frequency attached by ClinVar (database versions not stated): TOPMed 0.00006.
gnomAD v4.1: 60 of 1,613,008 alleles (0.0037%); highest among the groups gnomAD compares: Admixed American, 0.077%; no homozygotes.

Submissions (5):

PreventionGenetics, part of Exact Sciences
Classification: Uncertain significance for CDH23-related condition. Last evaluated: 2026-05-14. Review status: criteria provided, single submitter. Criteria: ACMG Guidelines, 2015. Collection method: clinical testing. Allele origin: germline.
Comment: The CDH23 c.4390G>T variant is predicted to result in the amino acid substitution p.Ala1464Ser. To our knowledge, this variant has not been reported in the literature. This variant is present in 0.12% of alleles in individuals of Latino descent in gnomAD, which may be too common to be an unreported cause of disease. Although we suspect that this variant may be benign, at this time, the clinical significance of this variant is uncertain due to the absence of conclusive functional and genetic evidence.

Labcorp Genetics (formerly Invitae), Labcorp
Classification: Likely benign. Last evaluated: 2025-12-27. Review status: criteria provided, single submitter. Criteria: Invitae Variant Classification Sherloc (09022015). Collection method: clinical testing. Allele origin: germline.

Blueprint Genetics
Classification: Likely benign. Last evaluated: 2022-09-13. Review status: criteria provided, single submitter. Criteria: ACMG Guidelines, 2015. Collection method: clinical testing. Allele origin: germline.

GeneDx
Classification: Uncertain significance. Last evaluated: 2020-02-20. Review status: criteria provided, single submitter. Criteria: GeneDx Variant Classification Process June 2021. Collection method: clinical testing. Allele origin: germline. Affected: yes.
Comment: In silico analysis supports that this missense variant does not alter protein structure/function; Has not been previously published as pathogenic or benign to our knowledge

Natera, Inc.
Classification: Uncertain significance for Usher syndrome type 1. Last evaluated: 2020-01-24. Review status: no assertion criteria provided. Collection method: clinical testing. Allele origin: germline. Not counted in ClinVar's aggregate classification.